The following is an entry in ClinVar:

ClinVar aggregate classification (germline): Uncertain significance (1 of 4 stars; one submission).

Conditions:
Early Myoclonic Encephalopathy. Identifiers: MedGen C0270855.

Allele frequency attached by ClinVar (database versions not stated): TOPMed 0.00001; ExAC 0.00004; gnomAD exomes 0.00001.
gnomAD v4.1: 11 of 1,567,018 alleles (0.0007%); highest among the groups gnomAD compares: Non-Finnish European, 0.00095%; no homozygotes.

Submission:

Labcorp Genetics (formerly Invitae), Labcorp
Classification: Uncertain significance for Early Myoclonic Encephalopathy. Last evaluated: 2022-12-31. Review status: criteria provided, single submitter. Criteria: Invitae Variant Classification Sherloc (09022015). Collection method: clinical testing. Allele origin: germline.
Comment: This sequence change replaces histidine, which is basic and polar, with glutamine, which is neutral and polar, at codon 347 of the JMJD1C protein (p.His347Gln). This variant is present in population databases (rs767932584, gnomAD 0.008%). In summary, the available evidence is currently insufficient to determine the role of this variant in disease. Therefore, it has been classified as a Variant of Uncertain Significance. Algorithms developed to predict the effect of missense changes on protein structure and function output the following: SIFT: "Tolerated"; PolyPhen-2: "Benign"; Align-GVGD: "Class C0". The glutamine amino acid residue is found in multiple mammalian species, which suggests that this missense change does not adversely affect protein function. This variant has not been reported in the literature in individuals affected with JMJD1C-related conditions.

NM_032776.3(JMJD1C):c.1041C>A (p.His347Gln)

Gene: JMJD1C (jumonji domain containing 1C; minus strand). Cytogenetic location: 10q21.3.
Variant type: single nucleotide variant.
Coding change: c.1041C>A on transcript NM_032776.3 (MANE Select); coding-DNA position 1041, C replaced by A.
Protein change: p.His347Gln; replaces histidine 347 with glutamine.
Molecular consequence: missense variant. On other transcripts: non-coding transcript variant (1).
Genome position (GRCh38, 1-based): chr10:63,215,126, G>T on the plus strand (C>A on the coding strand, the complement: JMJD1C is on the minus strand). VCF-style: chr10-63215126-G-T. GRCh37 (hg19) VCF-style: chr10-64974886-G-T.
Other names: c.495C>A, p.His165Gln (NM_001282948.2, NM_001318154.2); c.177C>A, p.His59Gln (NM_001318153.2); c.927C>A, p.His309Gln (NM_001322252.2); c.384C>A, p.His128Gln (NM_001322254.2, NM_001322258.2); short protein forms H347Q, H128Q, H309Q, H165Q, H59Q.
Identifiers: ClinVar variation 2897131 (VCV002897131.3), dbSNP rs767932584, ClinGen allele CA5518871.